The following is an entry in ClinVar:

NM_016373.4(WWOX):c.1056+4829C>T

Gene: WWOX (WW domain containing oxidoreductase; plus strand). Cytogenetic location: 16q23.1.
Variant type: single nucleotide variant.
Coding change: c.1056+4829C>T on transcript NM_016373.4 (MANE Select); 4829 bases into the intron after coding-DNA position 1056, C replaced by T.
Molecular consequence: intron variant.
Genome position (GRCh38, 1-based): chr16:78,437,581, C>T. VCF-style: chr16-78437581-C-T. GRCh37 (hg19) VCF-style: chr16-78471478-C-T.
Other names: c.717+4829C>T (NM_001291997.2).
Identifiers: ClinVar variation 4883268 (VCV004883268.2).

ClinVar aggregate classification (germline): Uncertain significance (1 of 4 stars; one submission).

gnomAD v4.1: 1 of 152,322 alleles (0.00066%); highest among the groups gnomAD compares: African/African-American, 0.0024%; no homozygotes.

Submission:

Dasa
Classification: Uncertain significance. Last evaluated: 2025-11-24. Review status: criteria provided, single submitter. Criteria: DASA Assertion Criteria. Collection method: clinical testing. Allele origin: germline.
Comment: NM_016373.4(WWOX):c.1056+4829C>T is an intronic variant. This variant is rare in population databases. The currently available literature and clinical evidence are not sufficient to establish a definitive association between this variant and the reported condition. Therefore, this variant is classified as a variant of uncertain significance.